The following is an entry in ClinVar:

NM_000492.4(CFTR):c.4009T>A (p.Phe1337Ile)

Gene: CFTR (CF transmembrane conductance regulator; plus strand). Cytogenetic location: 7q31.2.
Variant type: single nucleotide variant.
Coding change: c.4009T>A on transcript NM_000492.4 (MANE Select); coding-DNA position 4009, T replaced by A.
Protein change: p.Phe1337Ile; replaces phenylalanine 1337 with isoleucine.
Molecular consequence: missense variant.
Genome position (GRCh38, 1-based): chr7:117,664,733, T>A. VCF-style: chr7-117664733-T-A. GRCh37 (hg19) VCF-style: chr7-117304787-T-A.
Other names: short protein forms F1337I.
Identifiers: ClinVar variation 1736988 (VCV001736988.2), dbSNP rs397508659, ClinGen allele CA368982167.
Genomic context (GRCh38, chr7:117,664,733, plus strand): 5'-CTTCTCTAACTGCAGGTTGGGCTCAGATCTGTGATAGAACAGTTTCCTGGGAAGCTTGAC[T>A]TTGTCCTTGTGGATGGGGGCTGTGTCCTAAGCCATGGCCACAAGCAGTTGATGTGCTTGG-3'
Protein context (NP_000483.3, residues 1327-1347): VIEQFPGKLD[Phe1337Ile]VLVDGGCVLS

ClinVar aggregate classification (germline): Uncertain significance (1 of 4 stars; one submission).

Conditions:
Cystic fibrosis (CF). Also called: MUCOVISCIDOSIS. Identifiers: Orphanet 586, MedGen C0010674, MONDO:0009061, OMIM 219700. Disease mechanism: loss of function.

Submission:

Ambry Genetics
Classification: Uncertain significance for Cystic fibrosis. Last evaluated: 2022-05-10. Review status: criteria provided, single submitter. Criteria: Ambry Variant Classification Scheme 2023. Collection method: clinical testing. Allele origin: germline.
Comment: The p.F1337I variant (also known as c.4009T>A), located in coding exon 25 of the CFTR gene, results from a T to A substitution at nucleotide position 4009. The phenylalanine at codon 1337 is replaced by isoleucine, an amino acid with highly similar properties. This amino acid position is conserved. In addition, this alteration is predicted to be deleterious by in silico analysis. Since supporting evidence is limited at this time, the clinical significance of this alteration remains unclear.